The following is an entry in ClinVar:

NM_000138.5(FBN1):c.5149A>C (p.Lys1717Gln)

Gene: FBN1 (fibrillin 1; minus strand). Cytogenetic location: 15q21.1.
Variant type: single nucleotide variant.
Coding change: c.5149A>C on transcript NM_000138.5 (MANE Select); coding-DNA position 5149, A replaced by C.
Protein change: p.Lys1717Gln; replaces lysine 1717 with glutamine.
Molecular consequence: missense variant.
Genome position (GRCh38, 1-based): chr15:48,463,157, T>G on the plus strand (A>C on the coding strand, the complement: FBN1 is on the minus strand). VCF-style: chr15-48463157-T-G. GRCh37 (hg19) VCF-style: chr15-48755354-T-G.
Other names: short protein forms K1717Q.
Identifiers: ClinVar variation 1172298 (VCV001172298.2), dbSNP rs777640133, ClinGen allele CA054366.

ClinVar aggregate classification (germline): Uncertain significance (1 of 4 stars; one submission).

Conditions:
Familial thoracic aortic aneurysm and aortic dissection (TAAD). Also called: Thoracic aortic aneurysms and dissections. Identifiers: Orphanet 91387, MedGen C4707243, MONDO:0019625.

Allele frequency attached by ClinVar (database versions not stated): gnomAD exomes below 0.00001; ExAC 0.00001.

Submission:

Color Diagnostics, LLC DBA Color Health
Classification: Uncertain significance for Familial thoracic aortic aneurysm and aortic dissection. Last evaluated: 2020-05-12. Review status: criteria provided, single submitter. Criteria: ACMG Guidelines, 2015. Collection method: clinical testing. Allele origin: germline.
Comment: This missense variant replaces lysine with glutamine at codon 1717 of the FBN1 protein. Computational prediction suggests that this variant may have deleterious impact on protein structure and function (internally defined REVEL score threshold >= 0.7, PMID: 27666373). To our knowledge, functional studies have not been reported for this variant. This variant has not been reported in individuals affected with cardiovascular disorders in the literature. This variant has been identified in 1/251356 chromosomes in the general population by the Genome Aggregation Database (gnomAD). The available evidence is insufficient to determine the role of this variant in disease conclusively. Therefore, this variant is classified as a Variant of Uncertain Significance.